The following is an entry in ClinVar:

ClinVar aggregate classification (germline): Uncertain significance (1 of 4 stars; one submission).

Conditions:
Arrhythmogenic right ventricular dysplasia 13. Also called: Arrhythmogenic right ventricular dysplasia, familial, 13; ARRHYTHMOGENIC RIGHT VENTRICULAR CARDIOMYOPATHY 13. Identifiers: MedGen C3810138, MONDO:0000908, OMIM 615616.

Allele frequency attached by ClinVar (database versions not stated): ExAC 0.00001.

Submission:

Labcorp Genetics (formerly Invitae), Labcorp
Classification: Uncertain significance for Arrhythmogenic right ventricular dysplasia 13. Last evaluated: 2022-10-21. Review status: criteria provided, single submitter. Criteria: Invitae Variant Classification Sherloc (09022015). Collection method: clinical testing. Allele origin: germline.
Comment: In summary, the available evidence is currently insufficient to determine the role of this variant in disease. Therefore, it has been classified as a Variant of Uncertain Significance. Algorithms developed to predict the effect of sequence changes on RNA splicing suggest that this variant may create or strengthen a splice site. Advanced modeling of protein sequence and biophysical properties (such as structural, functional, and spatial information, amino acid conservation, physicochemical variation, residue mobility, and thermodynamic stability) performed at Invitae indicates that this missense variant is not expected to disrupt CTNNA3 protein function. This variant has not been reported in the literature in individuals affected with CTNNA3-related conditions. This variant is present in population databases (rs766107484, gnomAD 0.0009%). This sequence change replaces aspartic acid, which is acidic and polar, with glycine, which is neutral and non-polar, at codon 85 of the CTNNA3 protein (p.Asp85Gly).

NM_013266.4(CTNNA3):c.254A>G (p.Asp85Gly)

Gene: CTNNA3 (catenin alpha 3; minus strand). Cytogenetic location: 10q21.3.
Variant type: single nucleotide variant.
Coding change: c.254A>G on transcript NM_013266.4 (MANE Select); coding-DNA position 254, A replaced by G.
Protein change: p.Asp85Gly; replaces aspartic acid 85 with glycine.
Molecular consequence: missense variant.
Genome position (GRCh38, 1-based): chr10:67,606,895, T>C on the plus strand (A>G on the coding strand, the complement: CTNNA3 is on the minus strand). VCF-style: chr10-67606895-T-C. GRCh37 (hg19) VCF-style: chr10-69366653-T-C.
Other names: c.254A>G, p.Asp85Gly (NM_001127384.3); c.290A>G, p.Asp97Gly (NM_001291133.2); short protein forms D85G, D97G.
Identifiers: ClinVar variation 1955524 (VCV001955524.5), dbSNP rs766107484, ClinGen allele CA5520676.